The following is an entry in ClinVar:

NM_018180.3(DHX32):c.335G>T (p.Gly112Val)

Gene: DHX32 (DEAH-box helicase 32 (putative); minus strand). Cytogenetic location: 10q26.2.
Variant type: single nucleotide variant.
Coding change: c.335G>T on transcript NM_018180.3 (MANE Select); coding-DNA position 335, G replaced by T.
Protein change: p.Gly112Val; replaces glycine 112 with valine.
Molecular consequence: missense variant.
Genome position (GRCh38, 1-based): chr10:125,867,131, C>A on the plus strand (G>T on the coding strand, the complement: DHX32 is on the minus strand). VCF-style: chr10-125867131-C-A. GRCh37 (hg19) VCF-style: chr10-127555700-C-A.
Other names: short protein forms G112V.
Identifiers: ClinVar variation 3676185 (VCV003676185.2).

ClinVar aggregate classification (germline): Uncertain significance (1 of 4 stars; one submission).

gnomAD v4.1: 3 of 1,614,042 alleles (0.00019%); highest among the groups gnomAD compares: East Asian, 0.0045%; no homozygotes.

Submission:

Labcorp Genetics (formerly Invitae), Labcorp
Classification: Uncertain significance. Last evaluated: 2024-04-12. Review status: criteria provided, single submitter. Criteria: Invitae Variant Classification Sherloc (09022015). Collection method: clinical testing. Allele origin: germline.
Comment: This sequence change replaces glycine, which is neutral and non-polar, with valine, which is neutral and non-polar, at codon 112 of the DHX32 protein (p.Gly112Val). This variant is present in population databases (no rsID available, gnomAD 0.006%). This variant has not been reported in the literature in individuals affected with DHX32-related conditions. An algorithm developed to predict the effect of missense changes on protein structure and function (PolyPhen-2) suggests that this variant is likely to be tolerated. In summary, the available evidence is currently insufficient to determine the role of this variant in disease. Therefore, it has been classified as a Variant of Uncertain Significance.